The following is an entry in ClinVar:

ClinVar aggregate classification (germline): Uncertain significance (1 of 4 stars; one submission).

Conditions:
Hereditary cancer-predisposing syndrome. Also called: Neoplastic Syndromes, Hereditary; Tumor predisposition; Hereditary neoplastic syndrome; Hereditary Cancer Syndrome. Identifiers: Orphanet 140162, MedGen C0027672, MeSH D009386, MONDO:0015356.

Submission:

Ambry Genetics
Classification: Uncertain significance for Hereditary cancer-predisposing syndrome. Last evaluated: 2026-09-07. Review status: criteria provided, single submitter. Criteria: Ambry Variant Classification Scheme 2023. Collection method: clinical testing. Allele origin: germline.
Comment: The p.M1998T variant (also known as c.5993T>C), located in coding exon 43 of the POLE gene, results from a T to C substitution at nucleotide position 5993. The methionine at codon 1998 is replaced by threonine, an amino acid with similar properties. This amino acid position is conserved. In addition, the in silico prediction for this alteration is inconclusive. Based on the available evidence, the clinical significance of this variant remains unclear.

NM_006231.4(POLE):c.5993T>C (p.Met1998Thr)

Gene: POLE (DNA polymerase epsilon, catalytic subunit; minus strand). Cytogenetic location: 12q24.33.
Variant type: single nucleotide variant.
Coding change: c.5993T>C on transcript NM_006231.4 (MANE Select); coding-DNA position 5993, T replaced by C.
Protein change: p.Met1998Thr; replaces methionine 1998 with threonine.
Molecular consequence: missense variant.
Genome position (GRCh38, 1-based): chr12:132,634,197, A>G on the plus strand (T>C on the coding strand, the complement: POLE is on the minus strand). VCF-style: chr12-132634197-A-G. GRCh37 (hg19) VCF-style: chr12-133210783-A-G.
Other names: short protein forms M1998T.
Identifiers: ClinVar variation 5027137 (VCV005027137.1).
Genomic context (GRCh38, chr12:132,634,197, plus strand): 5'-CCATGAGTCCCTTCAGTGGGGGCTGCGCAGCCCTGGGCTCTGGGCTTACCTGAAACAATC[A>G]TGAGGAAGTAGTTCTGGCAGGAGGCTGCCTGTGGCAAAAACTGCAAAATGTTCCAGTTGT-3'
Protein context (NP_006222.2, residues 1988-2008): QAASCQNYFL[Met1998Thr]IVSAYIVAVY